The following is an entry in ClinVar:

ClinVar aggregate classification (germline): Pathogenic/Likely pathogenic. Review status: criteria provided, multiple submitters, no conflicts (2 of 4 stars). 7 submissions from 7 submitters: Pathogenic (4); Likely pathogenic (2). 1 of the submissions does not count toward it. Last evaluated 2025-03-26.

Conditions:
Familial thyroid dyshormonogenesis. Identifiers: Orphanet 95716, MedGen C4273748, MONDO:0010132.
Inborn genetic diseases. Identifiers: MedGen C0950123, MeSH D030342.
Thyroglobulin synthesis defect (TDH5). Also called: THYROID HORMONOGENESIS, GENETIC DEFECT IN, 5; HYPOTHYROIDISM, CONGENITAL, DUE TO DYSHORMONOGENESIS, 5; Thyroid dyshormonogenesis 5. Identifiers: Orphanet 95716, MedGen C0342196, MONDO:0010137, OMIM 274900.

Allele frequency attached by ClinVar (database versions not stated): 1000 Genomes Project 30x 0.00062.
gnomAD v4.1: 66 of 1,603,982 alleles (0.0041%); highest among the groups gnomAD compares: East Asian, 0.12%; no homozygotes.

Submissions (7):

Revvity Omics, Revvity
Classification: Pathogenic for Thyroglobulin synthesis defect. Last evaluated: 2025-03-26. Review status: criteria provided, single submitter. Criteria: ACMG Guidelines, 2015. Collection method: clinical testing. Allele origin: germline.

Fulgent Genetics
Classification: Likely pathogenic for Thyroglobulin synthesis defect. Last evaluated: 2024-01-15. Review status: criteria provided, single submitter. Criteria: ACMG Guidelines, 2015. Collection method: clinical testing. Allele origin: germline.

Department of Pathology and Laboratory Medicine, Sinai Health System
Classification: Likely pathogenic for Familial thyroid dyshormonogenesis. Last evaluated: 2023-09-29. Review status: criteria provided, single submitter. Criteria: ACMG Guidelines, 2015. Collection method: research. Allele origin: germline.

Ambry Genetics
Classification: Pathogenic for Inborn genetic diseases. Last evaluated: 2021-08-31. Review status: criteria provided, single submitter. Criteria: Ambry Variant Classification Scheme 2023. Collection method: clinical testing. Allele origin: germline.
Comment: The c.738C>G (p.Y246*) alteration, located in exon 5 (coding exon 5) of the DUOXA2 gene, consists of a C to G substitution at nucleotide position 738. This changes the amino acid from a tyrosine (Y) to a stop codon at amino acid position 246. This alteration occurs at the 3' terminus of the DUOXA2 gene, is not expected to trigger nonsense-mediated mRNA decay, and only impacts the last 23.4% (75/320 amino acids) of the protein. However, premature stop codons are typically deleterious in nature and a significant portion of the protein is affected (Ambry internal data). This alteration has been reported in the homozygous state and in trans with a second DUOXA2 mutation in several patients with congenital hypothyroidism (Zamproni, 2008; Yi, 2013; Liu, 2015; Tanase-Nakao, 2018; Jung, 2020). In vitro studies showed reduced protein expression and inability to reconstitute DUOX2 activity, consistent with complete loss of function (Zamproni, 2008). Based on the available evidence, this alteration is classified as pathogenic.

Genetics and Genomic Medicine Centre, NeuroGen Healthcare, NeuroGen Healthcare
Classification: Pathogenic for Thyroglobulin synthesis defect. Last evaluated: 2020-03-14. Review status: criteria provided, single submitter. Criteria: Submitter's publication. Collection method: clinical testing. Allele origin: unknown. Affected: no.

Juno Genomics, Hangzhou Juno Genomics, Inc
Classification: Pathogenic for Thyroglobulin synthesis defect. Review status: criteria provided, single submitter. Criteria: ACMG Guidelines, 2015. Collection method: clinical testing. Allele origin: germline. Affected: yes.
Comment: Null variant in a gene where loss of function (LOF) is a known mechanism of disease.;For recessive disorders, detected in trans with a pathogenic variant.;Patient's phenotype or family history is highly specific for a disease with a single genetic etiology.;Co-segregation with disease in multiple affected family members in a gene definitively known to cause the disease.

OMIM
Classification: Pathogenic for THYROID DYSHORMONOGENESIS 5. Last evaluated: 2008-02-01. Review status: no assertion criteria provided. Collection method: literature only. Allele origin: germline. Not counted in ClinVar's aggregate classification.

Literature cited by the submitters: PubMed 18042646 (cited by Ambry Genetics and OMIM); PubMed 23292166 (cited by Ambry Genetics); PubMed 25675383 (cited by Ambry Genetics); PubMed 30110704 (cited by Ambry Genetics); PubMed 32252219 (cited by Ambry Genetics).

NM_207581.4(DUOXA2):c.738C>G (p.Tyr246Ter)

Gene: DUOXA2 (dual oxidase maturation factor 2; plus strand). Cytogenetic location: 15q21.1.
Variant type: single nucleotide variant.
Coding change: c.738C>G on transcript NM_207581.4 (MANE Select); coding-DNA position 738, C replaced by G.
Protein change: p.Tyr246Ter; replaces tyrosine 246 with a stop codon.
Molecular consequence: nonsense.
Genome position (GRCh38, 1-based): chr15:45,117,274, C>G. VCF-style: chr15-45117274-C-G. GRCh37 (hg19) VCF-style: chr15-45409472-C-G.
Other names: c.738C>G (NM_207581.3); short protein forms Y246*.
Identifiers: ClinVar variation 444 (VCV000000444.13), dbSNP rs4774518, ClinGen allele CA114294.